The following is an entry in ClinVar:

NM_000321.3(RB1):c.334G>A (p.Glu112Lys)

Gene: RB1 (RB transcriptional corepressor 1; plus strand). Cytogenetic location: 13q14.2.
Variant type: single nucleotide variant.
Coding change: c.334G>A on transcript NM_000321.3 (MANE Select); coding-DNA position 334, G replaced by A.
Protein change: p.Glu112Lys; replaces glutamic acid 112 with lysine.
Molecular consequence: missense variant.
Genome position (GRCh38, 1-based): chr13:48,342,668, G>A. VCF-style: chr13-48342668-G-A. GRCh37 (hg19) VCF-style: chr13-48916804-G-A.
Other names: short protein forms E112K.
Identifiers: ClinVar variation 857666 (VCV000857666.8), dbSNP rs1199831823, ClinGen allele CA388252465.
Genomic context (GRCh38, chr13:48,342,668, plus strand): 5'-ATTCAAAAGAAAAAGGAACTGTGGGGAATCTGTATCTTTATTGCAGCAGTTGACCTAGAT[G>A]AGATGTCGTTCACTTTTACTGAGCTACAGAAAAACATAGAAATCAGGTAAAGTTTCTTGT-3'
Protein context (NP_000312.2, residues 102-122): CIFIAAVDLD[Glu112Lys]MSFTFTELQK

ClinVar aggregate classification (germline): Uncertain significance. Review status: criteria provided, multiple submitters, no conflicts (2 of 4 stars). 2 submissions from 2 submitters: Uncertain significance (2). Last evaluated 2024-08-06.

Conditions:
Retinoblastoma (RB1). Also called: RETINOBLASTOMA, SOMATIC. Identifiers: Orphanet 790, MedGen C0035335, MeSH D012175, MONDO:0008380, OMIM 180200, HP:0009919. Disease mechanism: loss of function. Inheritance: Both sporadic and heritable forms are tested..
Hereditary cancer-predisposing syndrome. Also called: Tumor predisposition; Hereditary neoplastic syndrome; Neoplastic Syndromes, Hereditary; Hereditary Cancer Syndrome. Identifiers: Orphanet 140162, MedGen C0027672, MeSH D009386, MONDO:0015356.

Allele frequency attached by ClinVar (database versions not stated): gnomAD exomes below 0.00001; TOPMed below 0.00001.
gnomAD v4.1: 2 of 1,612,748 alleles (0.00012%); highest among the groups gnomAD compares: African/African-American, 0.0027%; no homozygotes.

Submissions (2):

Ambry Genetics
Classification: Uncertain significance for Hereditary cancer-predisposing syndrome. Last evaluated: 2024-08-06. Review status: criteria provided, single submitter. Criteria: Ambry Variant Classification Scheme 2023. Collection method: clinical testing. Allele origin: germline.
Comment: The p.E112K variant (also known as c.334G>A), located in coding exon 3 of the RB1 gene, results from a G to A substitution at nucleotide position 334. The glutamic acid at codon 112 is replaced by lysine, an amino acid with similar properties. This amino acid position is highly conserved in available vertebrate species. In addition, the in silico prediction for this alteration is inconclusive. Based on the available evidence, the clinical significance of this variant remains unclear.

Labcorp Genetics (formerly Invitae), Labcorp
Classification: Uncertain significance for Retinoblastoma. Last evaluated: 2023-12-19. Review status: criteria provided, single submitter. Criteria: Invitae Variant Classification Sherloc (09022015). Collection method: clinical testing. Allele origin: germline.
Comment: This sequence change replaces glutamic acid, which is acidic and polar, with lysine, which is basic and polar, at codon 112 of the RB1 protein (p.Glu112Lys). This variant is present in population databases (no rsID available, gnomAD 0.007%). This variant has not been reported in the literature in individuals affected with RB1-related conditions. ClinVar contains an entry for this variant (Variation ID: 857666). Advanced modeling of protein sequence and biophysical properties (such as structural, functional, and spatial information, amino acid conservation, physicochemical variation, residue mobility, and thermodynamic stability) performed at Invitae indicates that this missense variant is not expected to disrupt RB1 protein function with a negative predictive value of 80%. In summary, the available evidence is currently insufficient to determine the role of this variant in disease. Therefore, it has been classified as a Variant of Uncertain Significance.